The following is an entry in ClinVar:

NM_004998.4(MYO1E):c.1151T>C (p.Ile384Thr)

Gene: MYO1E (myosin IE; minus strand). Cytogenetic location: 15q22.2.
Variant type: single nucleotide variant.
Coding change: c.1151T>C on transcript NM_004998.4 (MANE Select); coding-DNA position 1151, T replaced by C.
Protein change: p.Ile384Thr; replaces isoleucine 384 with threonine.
Molecular consequence: missense variant.
Genome position (GRCh38, 1-based): chr15:59,214,677, A>G on the plus strand (T>C on the coding strand, the complement: MYO1E is on the minus strand). VCF-style: chr15-59214677-A-G. GRCh37 (hg19) VCF-style: chr15-59506876-A-G.
Other names: short protein forms I384T.
Identifiers: ClinVar variation 1058780 (VCV001058780.8), dbSNP rs142638347, ClinGen allele CA7590047.

ClinVar aggregate classification (germline): Uncertain significance. Review status: criteria provided, multiple submitters, no conflicts (2 of 4 stars). 2 submissions from 2 submitters: Uncertain significance (2). Last evaluated 2024-02-07.

Conditions:
Focal segmental glomerulosclerosis 6 (FSGS6). Identifiers: Orphanet 656, MedGen C3279905, MONDO:0013589, OMIM 614131.

Allele frequency attached by ClinVar (database versions not stated): gnomAD exomes 0.00006 and 0.00011; ExAC 0.00011; gnomAD 0.00015 and 0.00017; TOPMed 0.00019; 1000 Genomes Project 0.00020; ESP Exome Variant Server 0.00039; 1000 Genomes Project 30x 0.00062.
gnomAD v4.1: 117 of 1,613,918 alleles (0.0072%); highest among the groups gnomAD compares: African/African-American, 0.023%; 1 homozygote.

Submissions (2):

Fulgent Genetics
Classification: Uncertain significance for Focal segmental glomerulosclerosis 6. Last evaluated: 2024-02-07. Review status: criteria provided, single submitter. Criteria: ACMG Guidelines, 2015. Collection method: clinical testing. Allele origin: germline.

Labcorp Genetics (formerly Invitae), Labcorp
Classification: Uncertain significance. Last evaluated: 2022-01-05. Review status: criteria provided, single submitter. Criteria: Invitae Variant Classification Sherloc (09022015). Collection method: clinical testing. Allele origin: germline.
Comment: This sequence change replaces isoleucine, which is neutral and non-polar, with threonine, which is neutral and polar, at codon 384 of the MYO1E protein (p.Ile384Thr). This variant is present in population databases (rs142638347, gnomAD 0.2%). This variant has not been reported in the literature in individuals affected with MYO1E-related conditions. ClinVar contains an entry for this variant (Variation ID: 1058780). Algorithms developed to predict the effect of missense changes on protein structure and function (SIFT, PolyPhen-2, Align-GVGD) all suggest that this variant is likely to be disruptive. In summary, the available evidence is currently insufficient to determine the role of this variant in disease. Therefore, it has been classified as a Variant of Uncertain Significance.